The following is an entry in ClinVar:

ClinVar aggregate classification (germline): Pathogenic/Likely pathogenic. Review status: criteria provided, multiple submitters, no conflicts (2 of 4 stars). 3 submissions from 3 submitters: Pathogenic (2); Likely pathogenic (1). Last evaluated 2025-10-17.

Conditions:
Retinitis pigmentosa 25 (RP25). Identifiers: Orphanet 791, MedGen C1864446, MONDO:0011272, OMIM 602772.
EYS-related disorder. Also called: EYS-related condition.

Submissions (3):

Myriad Genetics, Inc.
Classification: Pathogenic for Retinitis pigmentosa 25. Last evaluated: 2025-10-17. Review status: criteria provided, single submitter. Criteria: Myriad Autosomal Dominant, Autosomal Recessive and X-Linked Classification Criteria (2023). Collection method: clinical testing. Allele origin: unknown.
Comment: NM_001142800.1(EYS):c.9266delG(G3089Afs*8) is a frameshift variant classified as pathogenic in the context of retinitis pigmentosa, EYS-related. G3089Afs*8 has not been observed in cases with relevant disease. Relevant functional assessments of this variant are not available in the literature. G3089Afs*8 has not been observed in referenced population frequency databases. In summary, NM_001142800.1(EYS):c.9266delG(G3089Afs*8) is a frameshift variant in a gene where loss of function is a known mechanism of disease and is predicted to disrupt protein function. Please note: this variant was assessed in the context of healthy population screening.

Labcorp Genetics (formerly Invitae), Labcorp
Classification: Pathogenic. Last evaluated: 2023-06-25. Review status: criteria provided, single submitter. Criteria: Invitae Variant Classification Sherloc (09022015). Collection method: clinical testing. Allele origin: germline.
Comment: This variant disrupts a region of the EYS protein in which other variant(s) (p.Tyr3135*) have been determined to be pathogenic (PMID: 18976725, 30337596). This suggests that this is a clinically significant region of the protein, and that variants that disrupt it are likely to be disease-causing. ClinVar contains an entry for this variant (Variation ID: 860787). This variant has not been reported in the literature in individuals affected with EYS-related conditions. This variant is not present in population databases (gnomAD no frequency). This sequence change creates a premature translational stop signal (p.Gly3089Alafs*8) in the EYS gene. While this is not anticipated to result in nonsense mediated decay, it is expected to disrupt the last 56 amino acid(s) of the EYS protein. For these reasons, this variant has been classified as Pathogenic.

Blueprint Genetics
Classification: Likely pathogenic for EYS-related disorders. Last evaluated: 2021-09-01. Review status: criteria provided, single submitter. Criteria: ACMG Guidelines, 2015. Collection method: clinical testing. Allele origin: germline. Affected: yes. Observed: 1 variant allele.

Literature cited by the submitters: PubMed 18976725 (cited by Labcorp Genetics (formerly Invitae), Labcorp); PubMed 30337596 (cited by Labcorp Genetics (formerly Invitae), Labcorp).

NM_001142800.2(EYS):c.9266del (p.Gly3089fs)

Genes: EYS (EGF-like photoreceptor maintenance factor; minus strand), PHF3 (PHD finger protein 3; plus strand). Cytogenetic location: 6q12.
Variant type: Deletion.
Coding change: c.9266del on transcript NM_001142800.2 (MANE Select); coding-DNA position 9266, one base deleted (G; older notation c.9266delG).
Protein change: p.Gly3089fs; shifts the reading frame from glycine 3089.
Molecular consequence: frameshift variant. On other transcripts: 3 prime UTR variant (5).
Genome position (GRCh38, 1-based): chr6:63,720,765, C deleted on the plus strand (G on the coding strand, the reverse complement: EYS is on the minus strand); the first of 5 consecutive C bases (chr6:63,720,765-63,720,769); deleting any one gives the same sequence. VCF-style (leftmost placement, unchanged base first): chr6-63720764-GC-G. GRCh37 (hg19) VCF-style: chr6-64430660-GC-G.
Other names: c.*7061del (NM_001290259.2, NM_001370348.2, NM_001370349.2 and 2 more transcripts); c.9329del, p.Gly3110fs (NM_001292009.2); short protein forms G3089fs, G3110fs.
Identifiers: ClinVar variation 860787 (VCV000860787.12), dbSNP rs1401354711, ClinGen allele CA826968814.
Genomic context (GRCh38, chr6:63,720,764, plus strand): 5'-AACAAAATTGGTTTTAAAAATCTCTTGAGTAACGATATTTACCTTTCTACCATATTCAAA[GC>G]CCCCTAGATAACAAATGCCATCATAGTTTAGAGCCACAAAGTTTTTATGTGGATCAATAT-3'